The following is an entry in ClinVar:

ClinVar aggregate classification (germline): Uncertain significance (1 of 4 stars; one submission).

Allele frequency attached by ClinVar (database versions not stated): gnomAD 0.00001; gnomAD exomes 0.00001; TOPMed 0.00001.
gnomAD v4.1: 10 of 1,613,896 alleles (0.00062%); highest among the groups gnomAD compares: Non-Finnish European, 0.00051%; no homozygotes.

Submission:

Labcorp Genetics (formerly Invitae), Labcorp
Classification: Uncertain significance. Last evaluated: 2025-02-26. Review status: criteria provided, single submitter. Criteria: Invitae Variant Classification Sherloc (09022015). Collection method: clinical testing. Allele origin: germline.
Comment: This sequence change replaces valine, which is neutral and non-polar, with isoleucine, which is neutral and non-polar, at codon 36 of the A2ML1 protein (p.Val36Ile). This variant is present in population databases (no rsID available, gnomAD 0.004%). This variant has not been reported in the literature in individuals affected with A2ML1-related conditions. ClinVar contains an entry for this variant (Variation ID: 1014867). An algorithm developed to predict the effect of missense changes on protein structure and function (PolyPhen-2) suggests that this variant is likely to be tolerated. In summary, the available evidence is currently insufficient to determine the role of this variant in disease. Therefore, it has been classified as a Variant of Uncertain Significance.

NM_144670.6(A2ML1):c.106G>A (p.Val36Ile)

Genes: A2ML1 (alpha-2-macroglobulin like 1; plus strand), A2ML1-AS1 (A2ML1 antisense RNA 1; minus strand). Cytogenetic location: 12p13.31.
Variant type: single nucleotide variant.
Coding change: c.106G>A on transcript NM_144670.6 (MANE Select); coding-DNA position 106, G replaced by A.
Protein change: p.Val36Ile; replaces valine 36 with isoleucine.
Molecular consequence: missense variant.
Genome position (GRCh38, 1-based): chr12:8,823,225, G>A. VCF-style: chr12-8823225-G-A. GRCh37 (hg19) VCF-style: chr12-8975821-G-A.
Other names: short protein forms V36I.
Identifiers: ClinVar variation 1014867 (VCV001014867.9), dbSNP rs1242821843, ClinGen allele CA383817725.
Genomic context (GRCh38, chr12:8,823,225, plus strand): 5'-TTCTGCTCCTTTAATAGAAACTACCTGGTGACATTACCAGCCCGGCTAAATTTCCCCTCC[G>A]TTCAGAAGGTTTGTTTGGACCTGAGCCCTGGGTACAGTGATGTTAAATTCACGGTTACTC-3'
Protein context (NP_653271.3, residues 26-46): TLPARLNFPS[Val36Ile]QKVCLDLSPG